The following is an entry in ClinVar:

ClinVar aggregate classification (germline): Pathogenic. Review status: criteria provided, multiple submitters, no conflicts (2 of 4 stars). 2 submissions from 2 submitters: Pathogenic (2). Last evaluated 2023-10-20.

Conditions:
KBG syndrome (KBGS). Also called: ANKRD11-Related KBG Syndrome. Identifiers: Orphanet 2332, MedGen C0220687, MONDO:0007846, OMIM 148050.

Submissions (2):

MVZ Medizinische Genetik Mainz
Classification: Pathogenic for KBG syndrome. Last evaluated: 2023-10-20. Review status: criteria provided, single submitter. Criteria: UK Practice Guidelines For Variant Classification V4 01 2020. Collection method: clinical testing. Allele origin: germline. Inheritance: Autosomal dominant inheritance. Affected: yes. Observed: 1 variant allele.
Comment: ACMG Criteria: PVS1,PM2_SUP

GeneDx
Classification: Pathogenic. Last evaluated: 2016-09-22. Review status: criteria provided, single submitter. Criteria: GeneDx Variant Classification (06012015). Collection method: clinical testing. Allele origin: germline. Affected: yes.
Comment: The c.5667delA variant in the ANKRD11 gene has not been reported previously as a pathogenic variant nor as a benign variant, to our knowledge. The c.5667delA variant causes a frameshift starting with codon Lysine 1889, changes this amino acid to an Asparagine residue, and creates a premature Stop codon at position 74 of the new reading frame, denoted p.Lys1889AsnfsX74. This variant is predicted to cause loss of normal protein function either through protein truncation or nonsense-mediated mRNA decay. The c.5667delA variant was not observed in approximately 6500 individuals of European and African American ancestry in the NHLBI Exome Sequencing Project, indicating it is not a common benign variant in these populations. We interpret c.5667delA as a pathogenic variant.

NM_013275.6(ANKRD11):c.5667del (p.Lys1889fs)

Gene: ANKRD11 (ankyrin repeat domain 11; minus strand). Cytogenetic location: 16q24.3.
Variant type: Deletion.
Coding change: c.5667del on transcript NM_013275.6 (MANE Select); coding-DNA position 5667, one base deleted (A; older notation c.5667delA).
Protein change: p.Lys1889fs; shifts the reading frame from lysine 1889.
Molecular consequence: frameshift variant.
Genome position (GRCh38, 1-based): chr16:89,280,875, T deleted on the plus strand (A on the coding strand, the reverse complement: ANKRD11 is on the minus strand); the first of 4 consecutive T bases (chr16:89,280,875-89,280,878); deleting any one gives the same sequence. VCF-style (leftmost placement, unchanged base first): chr16-89280874-GT-G. GRCh37 (hg19) VCF-style: chr16-89347282-GT-G.
Other names: c.5667del, p.Lys1889fs (NM_001256182.2, NM_001256183.2); short protein forms K1889fs.
Identifiers: ClinVar variation 280893 (VCV000280893.3), dbSNP rs886042016, ClinGen allele CA10603564.
Genomic context (GRCh38, chr16:89,280,874, plus strand): 5'-CCGGGGGAAGGGCCCCTTCGAGGGAAGGAACCAGCAGCTCGGCTCTGGGGGAAGGGGAAG[GT>G]TTTGCTTGTAAACTTGAGAAGACGCCCTCTGGAGACGGGGTGACAGTGACAACGGCAGCC-3'